The following is an entry in ClinVar:

NM_001165963.4(SCN1A):c.4490del (p.Asp1497fs)

Genes: SCN1A (sodium voltage-gated channel alpha subunit 1; minus strand), LOC102724058 (uncharacterized LOC102724058; plus strand). Cytogenetic location: 2q24.3.
Variant type: Deletion.
Coding change: c.4490del on transcript NM_001165963.4 (MANE Select); coding-DNA position 4490, one base deleted (A; older notation c.4490delA).
Protein change: p.Asp1497fs; shifts the reading frame from aspartic acid 1497.
Molecular consequence: frameshift variant. On other transcripts: non-coding transcript variant (1).
Genome position (GRCh38, 1-based): chr2:165,996,104, T deleted on the plus strand (A on the coding strand, the reverse complement: SCN1A is on the minus strand). VCF-style (leftmost placement, unchanged base first): chr2-165996103-GT-G. GRCh37 (hg19) VCF-style: chr2-166852613-GT-G.
Other names: c.4406del, p.Asp1469fs (NM_001165964.3, NM_001353957.2, NM_001353958.2); c.4490del, p.Asp1497fs (NM_001202435.3, NM_001353948.2); c.4457del, p.Asp1486fs (NM_001353949.2, NM_001353950.2, NM_001353951.2 and 2 more transcripts); c.4454del, p.Asp1485fs (NM_001353954.2, NM_001353955.2); c.4403del, p.Asp1468fs (NM_001353960.2); c.2048del, p.Asp683fs (NM_001353961.2); short protein forms D1468fs, D683fs, D1485fs, D1469fs, D1486fs, D1497fs.
Identifiers: ClinVar variation 848824 (VCV000848824.2), dbSNP rs1690011364, ClinGen allele CA916082235.
Genomic context (GRCh38, chr2:165,996,103, plus strand): 5'-TTTCGATCCTAATTTTTTCATTGCATTATAGTATTTCTTCTGTTCTTCTGTCATAAAGAT[GT>G]CTTGACCTCCAAAGTATAGAAAAGAAAAATCAAACTGGTTAAAACTGTGTCCTTTTGTAC-3'

ClinVar aggregate classification (germline): Pathogenic (1 of 4 stars; one submission).

Conditions:
Developmental and epileptic encephalopathy. Identifiers: MedGen C5779964, MONDO:0100620.

Submission:

Labcorp Genetics (formerly Invitae), Labcorp
Classification: Pathogenic for Early infantile epileptic encephalopathy with suppression bursts. Last evaluated: 2019-12-18. Review status: criteria provided, single submitter. Criteria: Invitae Variant Classification Sherloc (09022015). Collection method: clinical testing. Allele origin: germline.
Comment: This sequence change creates a premature translational stop signal (p.Asp1497Alafs*4) in the SCN1A gene. It is expected to result in an absent or disrupted protein product. This variant is not present in population databases (ExAC no frequency). This variant has not been reported in the literature in individuals with SCN1A-related conditions. Loss-of-function variants in SCN1A are known to be pathogenic (PMID: 17347258, 18930999). For these reasons, this variant has been classified as Pathogenic.